The following is an entry in ClinVar:

ClinVar aggregate classification (germline): Likely pathogenic (1 of 4 stars; one submission).

Conditions:
Dilated cardiomyopathy 1G (CMD1G). Identifiers: Orphanet 154, MedGen C1858763, MONDO:0011400, OMIM 604145.
Autosomal recessive limb-girdle muscular dystrophy type 2J (LGMDR10). Also called: Limb-girdle muscular dystrophy, type 2J; MUSCULAR DYSTROPHY, LIMB-GIRDLE, AUTOSOMAL RECESSIVE 10. Identifiers: Orphanet 140922, MedGen C1837342, MONDO:0012127, OMIM 608807.

Submission:

Labcorp Genetics (formerly Invitae), Labcorp
Classification: Likely pathogenic for Dilated cardiomyopathy 1G; Autosomal recessive limb-girdle muscular dystrophy type 2J. Last evaluated: 2021-04-27. Review status: criteria provided, single submitter. Criteria: Invitae Variant Classification Sherloc (09022015). Collection method: clinical testing. Allele origin: germline.
Comment: In summary, the currently available evidence indicates that the variant is pathogenic, but additional data are needed to prove that conclusively. Therefore, this variant has been classified as Likely Pathogenic. This variant is located in the A band of TTN (PMID: 25589632). Truncating variants in this region are significantly overrepresented in patients affected with dilated cardiomyopathy (PMID: 25589632). Truncating variants in this region have also been reported in individuals affected with autosomal recessive centronuclear myopathy (PMID: 23975875). This variant has not been reported in the literature in individuals with TTN-related conditions. This variant is not present in population databases (ExAC no frequency). This sequence change results in a premature translational stop signal in the TTN gene (p.Tyr28135*). While this is not anticipated to result in nonsense mediated decay, it is expected to create a truncated TTN protein.

Literature cited by the submitters: PubMed 25589632; PubMed 23975875.

NM_001267550.2(TTN):c.84405T>G (p.Tyr28135Ter)

Genes: TTN (titin; minus strand), TTN-AS1 (TTN antisense RNA 1; plus strand). Cytogenetic location: 2q31.2.
Variant type: single nucleotide variant.
Coding change: c.84405T>G on transcript NM_001267550.2 (MANE Select); coding-DNA position 84405, T replaced by G.
Protein change: p.Tyr28135Ter; replaces tyrosine 28135 with a stop codon.
Molecular consequence: nonsense.
Genome position (GRCh38, 1-based): chr2:178,561,727, A>C on the plus strand (T>G on the coding strand, the complement: TTN is on the minus strand). VCF-style: chr2-178561727-A-C. GRCh37 (hg19) VCF-style: chr2-179426454-A-C.
Other names: c.79482T>G, p.Tyr26494Ter (NM_001256850.1); c.57210T>G, p.Tyr19070Ter (NM_003319.4); c.76701T>G, p.Tyr25567Ter (NM_133378.4); c.57585T>G, p.Tyr19195Ter (NM_133432.3); c.57786T>G, p.Tyr19262Ter (NM_133437.4); short protein forms Y19070*, Y19195*, Y19262*, Y25567*, Y26494*, Y28135*.
Identifiers: ClinVar variation 1065927 (VCV001065927.9), dbSNP rs756176112, ClinGen allele CA349560198.
Genomic context (GRCh38, chr2:178,561,727, plus strand): 5'-TGGGGGACTGAATGGATACTCTGCAACAACAGCTGAAGATTCACTGTAGGAGCTCTTTCC[A>C]TAGCGGTTTTCTGCACAAACACGGAACTGATACTCACTTCCTGTTGTCAGGCGAACTATT-3'